The following is an entry in ClinVar:

NC_000016.10:g.(?_68821991)_(68822235_?)del

Gene: CDH1 (cadherin 1; plus strand). Cytogenetic location: 16q22.1.
Variant type: Deletion.
Identifiers: ClinVar variation 830860 (VCV000830860.8).

ClinVar aggregate classification (germline): Likely pathogenic (1 of 4 stars; one submission).

Conditions:
Hereditary diffuse gastric adenocarcinoma (HDGC). Also called: DIFFUSE GASTRIC AND LOBULAR BREAST CANCER SYNDROME. Identifiers: Orphanet 26106, MedGen C1708349, MONDO:0007648, OMIM 137215.

Submission:

Labcorp Genetics (formerly Invitae), Labcorp
Classification: Likely pathogenic for Hereditary diffuse gastric adenocarcinoma. Last evaluated: 2023-11-10. Review status: criteria provided, single submitter. Criteria: Invitae Variant Classification Sherloc (09022015). Collection method: clinical testing. Allele origin: germline.
Comment: This variant is a gross deletion of the genomic region encompassing exon(s) 12 of the CDH1 gene. This variant would be expected to be in-frame, preserving the integrity of the reading frame. A similar copy number variant has been observed in individual(s) with clinical features of CDH1-related conditions (PMID: 36246616). Algorithms developed to predict the effect of variants on protein structure and function are not available or were not evaluated for this variant. Experimental studies have shown that a similar copy number variant affects CDH1 function (PMID: 17979184, 18491227, 22850631). In summary, the currently available evidence indicates that the variant is pathogenic, but additional data are needed to prove that conclusively. Therefore, this variant has been classified as Likely Pathogenic.

Literature cited by the submitters: PubMed 36246616; PubMed 17979184; PubMed 18491227; PubMed 22850631.